The following is an entry in ClinVar:

NM_000512.5(GALNS):c.934A>G (p.Thr312Ala)

Gene: GALNS (galactosamine (N-acetyl)-6-sulfatase; minus strand). Cytogenetic location: 16q24.3.
Variant type: single nucleotide variant.
Coding change: c.934A>G on transcript NM_000512.5 (MANE Select); coding-DNA position 934, A replaced by G.
Protein change: p.Thr312Ala; replaces threonine 312 with alanine.
Molecular consequence: missense variant.
Genome position (GRCh38, 1-based): chr16:88,832,066, T>C on the plus strand (A>G on the coding strand, the complement: GALNS is on the minus strand). VCF-style: chr16-88832066-T-C. GRCh37 (hg19) VCF-style: chr16-88898474-T-C.
Other names: c.379A>G, p.Thr127Ala (NM_001323543.2); c.952A>G, p.Thr318Ala (NM_001323544.2); short protein forms T127A, T312A, T318A.
Identifiers: ClinVar variation 1048219 (VCV001048219.3), dbSNP rs2142999186, ClinGen allele CA397101311.

ClinVar aggregate classification (germline): Likely pathogenic (1 of 4 stars; one submission).

Conditions:
Mucopolysaccharidosis, MPS-IV-A (MPS4A). Also called: Mucopolysaccharidosis type IV A; Mucopolysaccharidosis Type IVA; Morquio syndrome A, mild; MORQUIO SYNDROME A; MPS IVA; mucopolysaccharidosis type 4A. Identifiers: Orphanet 309297, Orphanet 582, MedGen C0086651, MONDO:0009659, OMIM 253000.

Submission:

Laboratory of Diagnosis and Therapy of Lysosomal Disorders, University of Padova
Classification: Likely pathogenic for Mucopolysaccharidosis, MPS-IV-A. Last evaluated: 2021-02-01. Review status: criteria provided, single submitter. Criteria: ACMG Guidelines, 2015. Collection method: curation. Allele origin: germline. Affected: yes.
Comment: In vitro and in vivo functional studies supportive of a damaging effect on the gene product (low to null in vitro enzymatic activity; low to null enzymatic activity in homozygotes; PS3_strong); absent from gnomAD v2.1.1 (PM2_moderate); multiple lines of computational evidence support a deleterious effect on the gene (PP3_supporting)

Literature cited by the submitters: PubMed 20574428; PubMed 26147980; PubMed 34387910.